The following is an entry in ClinVar:

ClinVar aggregate classification (germline): Uncertain significance. Review status: criteria provided, multiple submitters, no conflicts (2 of 4 stars). 2 submissions from 2 submitters: Uncertain significance (2). Last evaluated 2025-02-11.

Conditions:
IFT74-related disorder. Also called: IFT74-related condition; IFT74-Related Disorders.

Allele frequency attached by ClinVar (database versions not stated): TOPMed 0.00004; gnomAD 0.00010 and 0.00011; gnomAD exomes 0.00010 and 0.00030; ExAC 0.00040.
gnomAD v4.1: 182 of 1,614,082 alleles (0.011%); highest among the groups gnomAD compares: Non-Finnish European, 0.0073%; no homozygotes.

Submissions (2):

PreventionGenetics, part of Exact Sciences
Classification: Uncertain significance for IFT74-related condition. Last evaluated: 2025-02-11. Review status: criteria provided, single submitter. Criteria: ACMG Guidelines, 2015. Collection method: clinical testing. Allele origin: germline.
Comment: The IFT74 c.11A>G variant is predicted to result in the amino acid substitution p.Asn4Ser. To our knowledge, this variant has not been reported in the literature. This variant is reported in 0.12% of alleles in individuals of European (Finnish) descent in gnomAD. Although we suspect that this variant may be benign, at this time, the clinical significance of this variant is uncertain due to the absence of conclusive functional and genetic evidence.

Labcorp Genetics (formerly Invitae), Labcorp
Classification: Uncertain significance. Last evaluated: 2022-09-01. Review status: criteria provided, single submitter. Criteria: Invitae Variant Classification Sherloc (09022015). Collection method: clinical testing. Allele origin: germline.
Comment: Algorithms developed to predict the effect of missense changes on protein structure and function are either unavailable or do not agree on the potential impact of this missense change (SIFT: "Tolerated"; PolyPhen-2: "Possibly Damaging"; Align-GVGD: "Class C0"). In summary, the available evidence is currently insufficient to determine the role of this variant in disease. Therefore, it has been classified as a Variant of Uncertain Significance. This variant has not been reported in the literature in individuals affected with IFT74-related conditions. ClinVar contains an entry for this variant (Variation ID: 1348011). This variant is present in population databases (rs202023493, gnomAD 0.1%). This sequence change replaces asparagine, which is neutral and polar, with serine, which is neutral and polar, at codon 4 of the IFT74 protein (p.Asn4Ser).

NM_025103.4(IFT74):c.11A>G (p.Asn4Ser)

Gene: IFT74 (intraflagellar transport 74; plus strand). Cytogenetic location: 9p21.2.
Variant type: single nucleotide variant.
Coding change: c.11A>G on transcript NM_025103.4 (MANE Select); coding-DNA position 11, A replaced by G.
Protein change: p.Asn4Ser; replaces asparagine 4 with serine.
Molecular consequence: missense variant.
Genome position (GRCh38, 1-based): chr9:26,961,978, A>G. VCF-style: chr9-26961978-A-G. GRCh37 (hg19) VCF-style: chr9-26961976-A-G.
Other names: c.11A>G (NM_025103.2); c.11A>G, p.Asn4Ser (NM_001099222.3, NM_001099223.3, NM_001099224.3 and 1 more transcripts); short protein forms N4S.
Identifiers: ClinVar variation 1348011 (VCV001348011.7), dbSNP rs202023493, ClinGen allele CA5014777.